The following is an entry in ClinVar:

NM_006521.6(TFE3):c.548T>C (p.Leu183Pro)

Gene: TFE3 (transcription factor binding to IGHM enhancer 3; minus strand). Cytogenetic location: Xp11.23.
Variant type: single nucleotide variant.
Coding change: c.548T>C on transcript NM_006521.6 (MANE Select); coding-DNA position 548, T replaced by C.
Protein change: p.Leu183Pro; replaces leucine 183 with proline.
Molecular consequence: missense variant.
Genome position (GRCh38, 1-based): chrX:49,038,429, A>G on the plus strand (T>C on the coding strand, the complement: TFE3 is on the minus strand). VCF-style: chrX-49038429-A-G. GRCh37 (hg19) VCF-style: chrX-48895954-A-G.
Other names: c.233T>C, p.Leu78Pro (NM_001282142.2); short protein forms L183P, L78P.
Identifiers: ClinVar variation 986015 (VCV000986015.4), dbSNP rs2064742958, ClinGen allele CA412911083.

ClinVar aggregate classification (germline): Uncertain significance (1 of 4 stars; one submission).

Conditions:
Inborn genetic diseases. Identifiers: MedGen C0950123, MeSH D030342.

Submission:

Ambry Genetics
Classification: Uncertain significance for Inborn genetic diseases. Last evaluated: 2020-01-21. Review status: criteria provided, single submitter. Criteria: Ambry Variant Classification Scheme 2023. Collection method: clinical testing. Allele origin: germline.
Comment: The alteration results in an amino acid change:_x000D_ _x000D_ The c.548T>C (p.L183P) alteration is located in exon 4 (coding exon 4) of the TFE3 gene. This alteration results from a T to C substitution at nucleotide position 548, causing the leucine (L) at amino acid position 183 to be replaced by a proline (P). The alteration is not observed in population databases: _x000D_ _x000D_ Based on data from the Genome Aggregation Database (gnomAD), the TFE3 c.548T>C alteration was not observed, with coverage at this position. The altered amino acid is conserved throughout evolution:_x000D_ _x000D_ The p.L183 amino acid is conserved in available vertebrate species. The alteration is predicted inconclusive by in silico modeling:_x000D_ _x000D_ The in silico prediction for the p.L183P alteration is inconclusive. Based on insufficient or conflicting evidence, the clinical significance of this alteration remains unclear.